The following is an entry in ClinVar:

ClinVar aggregate classification (germline): Uncertain significance (1 of 4 stars; one submission).

Allele frequency attached by ClinVar (database versions not stated): gnomAD 0.00001; gnomAD exomes 0.00002; TOPMed 0.00002.

Submission:

Labcorp Genetics (formerly Invitae), Labcorp
Classification: Uncertain significance. Last evaluated: 2022-03-18. Review status: criteria provided, single submitter. Criteria: Invitae Variant Classification Sherloc (09022015). Collection method: clinical testing. Allele origin: germline.
Comment: This sequence change replaces valine, which is neutral and non-polar, with methionine, which is neutral and non-polar, at codon 429 of the SBF1 protein (p.Val429Met). This variant is present in population databases (no rsID available, gnomAD 0.0009%). This variant has not been reported in the literature in individuals affected with SBF1-related conditions. Algorithms developed to predict the effect of missense changes on protein structure and function are either unavailable or do not agree on the potential impact of this missense change (SIFT: "Deleterious"; PolyPhen-2: "Probably Damaging"; Align-GVGD: "Class C0"). In summary, the available evidence is currently insufficient to determine the role of this variant in disease. Therefore, it has been classified as a Variant of Uncertain Significance.

NM_002972.4(SBF1):c.1285G>A (p.Val429Met)

Gene: SBF1 (SET binding factor 1; minus strand). Cytogenetic location: 22q13.33.
Variant type: single nucleotide variant.
Coding change: c.1285G>A on transcript NM_002972.4 (MANE Select); coding-DNA position 1285, G replaced by A.
Protein change: p.Val429Met; replaces valine 429 with methionine.
Molecular consequence: missense variant.
Genome position (GRCh38, 1-based): chr22:50,465,048, C>T on the plus strand (G>A on the coding strand, the complement: SBF1 is on the minus strand). VCF-style: chr22-50465048-C-T. GRCh37 (hg19) VCF-style: chr22-50903477-C-T.
Other names: c.1288G>A, p.Val430Met (NM_001365819.1, NM_001410794.1); c.1285G>A, p.Val429Met (NM_001410795.1, NM_197971.1); short protein forms V429M, V430M.
Identifiers: ClinVar variation 2177379 (VCV002177379.1), dbSNP rs1316917648, ClinGen allele CA412218189.